The following is an entry in ClinVar:

ClinVar aggregate classification (germline): Uncertain significance (1 of 4 stars; one submission).

Conditions:
Hereditary cancer-predisposing syndrome. Also called: Hereditary Cancer Syndrome; Hereditary neoplastic syndrome; Neoplastic Syndromes, Hereditary; Tumor predisposition. Identifiers: Orphanet 140162, MedGen C0027672, MeSH D009386, MONDO:0015356.

Submission:

Ambry Genetics
Classification: Uncertain significance for Hereditary cancer-predisposing syndrome. Last evaluated: 2025-06-21. Review status: criteria provided, single submitter. Criteria: Ambry Variant Classification Scheme 2023. Collection method: clinical testing. Allele origin: germline.
Comment: The p.H384P variant (also known as c.1151A>C), located in coding exon 11 of the FANCC gene, results from an A to C substitution at nucleotide position 1151. The histidine at codon 384 is replaced by proline, an amino acid with similar properties. This amino acid position is conserved. In addition, this alteration is predicted to be tolerated by in silico analysis. Based on the available evidence, the clinical significance of this variant remains unclear.

NM_000136.3(FANCC):c.1151A>C (p.His384Pro)

Genes: AOPEP (aminopeptidase O (putative); plus strand), FANCC (FA complementation group C; minus strand). Cytogenetic location: 9q22.32.
Variant type: single nucleotide variant.
Coding change: c.1151A>C on transcript NM_000136.3 (MANE Select); coding-DNA position 1151, A replaced by C.
Protein change: p.His384Pro; replaces histidine 384 with proline.
Molecular consequence: missense variant.
Genome position (GRCh38, 1-based): chr9:95,114,632, T>G on the plus strand (A>C on the coding strand, the complement: FANCC is on the minus strand). VCF-style: chr9-95114632-T-G. GRCh37 (hg19) VCF-style: chr9-97876914-T-G.
Other names: c.1151A>C, p.His384Pro (NM_001243743.2, NM_001243744.2); short protein forms H384P.
Identifiers: ClinVar variation 4254378 (VCV004254378.1).